The following is an entry in ClinVar:

NM_020987.5(ANK3):c.12678_12686+16dup

Gene: ANK3 (ankyrin 3; minus strand). Cytogenetic location: 10q21.2.
Variant type: Duplication.
Coding change: c.12678_12686+16dup on transcript NM_020987.5 (MANE Select); coding-DNA position 12678 through 16 bases into the intron after coding-DNA position 12686, 25 bases duplicated (GGATGACAGGTATGGCTGTTTCAAA).
Molecular consequence: splice donor variant.
Genome position (GRCh38, 1-based): chr10:60,059,324-60,059,348, TTTGAAACAGCCATACCTGTCATCC duplicated on the plus strand (GGATGACAGGTATGGCTGTTTCAAA on the coding strand, the reverse complement: ANK3 is on the minus strand). VCF-style (leftmost placement, unchanged base first): chr10-60059323-T-TTTTGAAACAGCCATACCTGTCATCC. GRCh37 (hg19) VCF-style: chr10-61819081-T-TTTTGAAACAGCCATACCTGTCATCC.
Other names: c.5130_5138+16dup (NM_001204403.2); c.5151_5159+16dup (NM_001204404.2); c.5148_5156+16dup (NM_001320874.2); c.2550_2558+16dup (NM_001149.4).
Identifiers: ClinVar variation 2872671 (VCV002872671.3), dbSNP rs2492424542, ClinGen allele CA2609275924.
Genomic context (GRCh38, chr10:60,059,323, plus strand): 5'-CACTAAAAAGCATGTATTTAAGATAAACTATTAACAAGTAACCTGTGTTCACTTTCCTTT[T>TTTTGAAACAGCCATACCTGTCATCC]TTTGAAACAGCCATACCTGTCATCCAGTCGATCTAGTAACCCACCAGTTACTCTTCGAGC-3'

ClinVar aggregate classification (germline): Uncertain significance (1 of 4 stars; one submission).

Allele frequency attached by ClinVar (database versions not stated): gnomAD exomes below 0.00001.

Submission:

Labcorp Genetics (formerly Invitae), Labcorp
Classification: Uncertain significance. Last evaluated: 2024-10-23. Review status: criteria provided, single submitter. Criteria: Invitae Variant Classification Sherloc (09022015). Collection method: clinical testing. Allele origin: germline.
Comment: This sequence change falls in intron 41 of the ANK3 gene. It does not directly change the encoded amino acid sequence of the ANK3 protein. This variant is not present in population databases (gnomAD no frequency). This variant has not been reported in the literature in individuals affected with ANK3-related conditions. Experimental studies and prediction algorithms are not available or were not evaluated, and the functional significance of this variant is currently unknown. In summary, the available evidence is currently insufficient to determine the role of this variant in disease. Therefore, it has been classified as a Variant of Uncertain Significance.